The following is an entry in ClinVar:

ClinVar aggregate classification (germline): Pathogenic/Likely pathogenic. Review status: criteria provided, multiple submitters, no conflicts (2 of 4 stars). 7 submissions from 7 submitters: Pathogenic (1); Likely pathogenic (6). Last evaluated 2026-03-05.

Conditions:
B9D1-related disorder. Also called: B9D1-related disorders; B9D1-related condition.
Meckel-Gruber syndrome. Also called: Dysencephalia splachnocystica; DYSENCEPHALIA SPLANCHNOCYSTICA; GRUBER SYNDROME. Identifiers: Orphanet 564, MedGen C0265215, MONDO:0018921.
Joubert syndrome. Also called: JOUBERT-BOLTSHAUSER SYNDROME; Familial aplasia of the vermis. Identifiers: Orphanet 475, MedGen C5979921, MONDO:0018772.
Joubert syndrome 27 (JBTS27). Identifiers: MedGen C4310706, MONDO:0014927, OMIM 617120.
Joubert syndrome and related disorders. Identifiers: Orphanet 140874, MedGen C5679612, MONDO:0015369.

Allele frequency attached by ClinVar (database versions not stated): ExAC 0.00001; gnomAD 0.00001; TOPMed 0.00002; gnomAD exomes 0.00003 and 0.00006.
gnomAD v4.1: 91 of 1,613,302 alleles (0.0056%); highest among the groups gnomAD compares: Non-Finnish European, 0.0075%; no homozygotes.

Submissions (8):

PreventionGenetics, part of Exact Sciences
Classification: Likely pathogenic for B9D1-related condition. Last evaluated: 2026-03-05. Review status: criteria provided, single submitter. Criteria: ACMG Guidelines, 2015. Collection method: clinical testing. Allele origin: germline.
Comment: The B9D1 c.341G>A variant is predicted to result in the amino acid substitution p.Arg114Gln. This variant is predicted to alter splicing based on available splicing prediction programs (SpliceAI, Jaganathan et al. 2019. PubMed ID: 30661751). This variant has been reported in patients with autosomal recessive Joubert syndrome, and functional studies support its pathogenicity (Katiyar et al. 2020. PubMed ID: 32622957; Bournazos et al. 2021. PubMed ID: 34906502; ClinVar Variation ID: 1064604). This variant is reported in 0.0062% of alleles in individuals of African descent in gnomAD. This variant is interpreted as likely pathogenic.

Labcorp Genetics (formerly Invitae), Labcorp
Classification: Likely pathogenic for Joubert syndrome; Meckel-Gruber syndrome. Last evaluated: 2026-01-09. Review status: criteria provided, single submitter. Criteria: Invitae Variant Classification Sherloc (09022015). Collection method: clinical testing. Allele origin: germline.
Comment: This sequence change affects codon 114 of the B9D1 mRNA. It is a 'silent' change, meaning that it does not change the encoded amino acid sequence of the B9D1 protein. RNA analysis indicates that this variant induces altered splicing and may result in an absent or altered protein product. This variant is present in population databases (rs778260923, gnomAD 0.007%). This variant has been observed in individual(s) with Joubert syndrome (PMID: 32622957). ClinVar contains an entry for this variant (Variation ID: 1064604). An algorithm developed to predict the effect of missense changes on protein structure and function (PolyPhen-2) suggests that this variant is likely to be tolerated. Variants that disrupt the consensus splice site are a relatively common cause of aberrant splicing (PMID: 17576681, 9536098). Studies have shown that this variant results in skipping of exon 4, and produces a non-functional protein and/or introduces a premature termination codon (PMID: 32622957). In summary, the currently available evidence indicates that the variant is pathogenic, but additional data are needed to prove that conclusively. Therefore, this variant has been classified as Likely Pathogenic.

Women's Health and Genetics/Laboratory Corporation of America, LabCorp
Classification: Likely pathogenic for Joubert syndrome and related disorders. Last evaluated: 2025-12-09. Review status: criteria provided, single submitter. Criteria: LabCorp Variant Classification Summary - May 2015. Collection method: clinical testing. Allele origin: germline.
Comment: Variant summary: B9D1 c.341G>A (p.Arg114Gln) results in a conservative amino acid change in the encoded protein sequence. Algorithms developed to predict the effect of missense changes on protein structure and function are either unavailable or do not agree on the potential impact of this missense change. Several computational tools predict a significant impact on normal splicing: Two predict the variant abolishes a canonical 5' splicing donor site and two predict the variant weakens the 5' donor site. Publications report experimental evidence that this variant indeed affects mRNA splicing, resulting in the skipping of exon 4, which produces a frameshift and premature termination codon (e.g. Katiyar_2020, Bournazos_2022). The variant allele was found at a frequency of 2.8e-05 in 250806 control chromosomes. c.341G>A has been observed in the compound heterozygous state in an individual affected with Joubert Syndrome (Katiyar_2020).Together these data suggest the variant is likely associated with disease. The following publications have been ascertained in the context of this evaluation (PMID: 34906502, 32622957). ClinVar contains an entry for this variant (Variation ID: 1064604). Based on the evidence outlined above, the variant was classified as likely pathogenic.

GeneDx
Classification: Pathogenic. Last evaluated: 2025-12-08. Review status: criteria provided, single submitter. Criteria: GeneDx Variant Classification Process June 2021. Collection method: clinical testing. Allele origin: germline.
Comment: Identified in patients with B9D1-related ciliopathy referred for genetic testing at GeneDx and in published literature (PMID: 40935602, 32622957, 40933483); Published functional studies demonstrate a damaging effect as this variant causes aberrant splicing and results in a null allele (PMID: 34906502, 32622957); Not observed at significant frequency in large population cohorts (gnomAD); This variant is associated with the following publications: (PMID: 34906502, 32622957, 40935602, 40933483)

Blueprint Genetics
Classification: Likely pathogenic for B9D1-related disorders. Last evaluated: 2024-02-08. Review status: criteria provided, single submitter. Criteria: ACMG Guidelines, 2015. Collection method: clinical testing. Allele origin: germline. Affected: yes. Observed: 5 variant alleles.

UNC Molecular Genetics  Laboratory, University of North Carolina at Chapel Hill
Classification: Likely pathogenic for Joubert syndrome 27. Last evaluated: 2022-02-15. Review status: criteria provided, single submitter. Criteria: ACMG Guidelines, 2015. Collection method: research. Allele origin: unknown. Observed: 1 variant allele. Study: CSER_NCGENES_2.
Comment: B9D1 c.341G>A p.(Arg114Gln) is a rare missense variant which is predicted to change a single amino acid in the encoded protein from arginine to glutamine. This variant is observed in gnomAD with a global minor allele frequency of 0.003% (7 alleles/250,806 alleles, 0 homozygotes). In addition, this variant alters the last nucleotide of exon 4 adjacent to the 5' splice donor site of B9D1 intron 4. This variant has been previously reported in one individual with Joubert syndrome (PMID 32622957, 34906502). Analysis of RNA from the affected individual suggested this variant results in exon 4 skipping (r.245_341del) and the introduction of a frameshift and premature termination codon. The resulting protein is expected to be truncated, lacking 123 amino acids and disrupting the conserved B9 domain (PMID 32622957, 34906502). Therefore, this variant is classified as likely pathogenic.

Kids Neuroscience Centre, Sydney Children's Hospitals Network
Classification: Likely pathogenic for Joubert syndrome 27. Review status: criteria provided, single submitter. Criteria: Bournazos AM et al. (Genet Med 2021). Collection method: clinical testing. Allele origin: unknown. Inheritance: Autosomal recessive inheritance. Affected: yes. Observed: 1 heterozygote.
Comment: We are unable to detect any normally spliced B9D1 transcripts produced from the c.341G>A variant allele. Skipping of exon 4 (r.245_341del) induced by the NM_015681.3:c.341G>A variant causes a frameshift, encoding 44 missense amino acids and a premature termination codon (p.(Trp82Cysfs*45)). These transcripts are not predicted to be targeted by nonsense mediated decay (NMD) as the premature termination codon is encoded within the terminal exon for all B9D1 isoforms. These mis-spliced transcripts are likely to produce truncated B9D1 proteins. ENST00000261499.4; NM_015681.3 p.(Trp82Cysfs*45) / ENST00000461069.2 p.(Trp82Cysfs*111) / ENST00000575403.1; NM_001243475.2 p.(Trp82Cysfs*59) ENST00000477478.2 p.(Trp82Cysfs*70) Mis-spliced B9D1 transcripts with exon 4 skipping encode B9D1 protein lacking 123 amino acids, including 93 amino acids (p.(Trp82_Val174del) from the conserved B9 domain. A three nucleotide deletion resulting in loss of p.(Val174del) is previously reported as a pathogenic variant in ClinVar. Missense substitutions of p.(Gly165Cys), p.(Arg156Gln) and p.(Arg156Trp) within the B9 domain are also described as pathogenic variants in ClinVar. Therefore, it is the opinion of this laboratory that loss of 93 amino acids (p.(Trp82_Val174del)) from the conserved B9 domain is consistent with likely non/dysfunction of the encoded B9D1 protein.

Dr. Peter K. Rogan Lab, Western University
No classification provided (evidence only). Condition: Glioma susceptibility 1. Review status: no classification provided. Collection method: in vitro. Allele origin: not applicable. Functional consequence: skipped exon, retained intron. Not counted in ClinVar's aggregate classification.

Literature cited by the submitters: PubMed 32622957 (cited by Labcorp Genetics (formerly Invitae), Labcorp and Women's Health and Genetics/Laboratory Corporation of America, LabCorp); PubMed 17576681 (cited by Labcorp Genetics (formerly Invitae), Labcorp); PubMed 9536098 (cited by Labcorp Genetics (formerly Invitae), Labcorp); PubMed 34906502 (cited by Women's Health and Genetics/Laboratory Corporation of America, LabCorp).

NM_015681.6(B9D1):c.341G>A (p.Arg114Gln)

Gene: B9D1 (B9 domain containing 1; minus strand). Cytogenetic location: 17p11.2.
Variant type: single nucleotide variant.
Coding change: c.341G>A on transcript NM_015681.6 (MANE Select); coding-DNA position 341, G replaced by A.
Protein change: p.Arg114Gln; replaces arginine 114 with glutamine.
Molecular consequence: missense variant. On other transcripts: 5 prime UTR variant (1).
Genome position (GRCh38, 1-based): chr17:19,347,784, C>T on the plus strand (G>A on the coding strand, the complement: B9D1 is on the minus strand). VCF-style: chr17-19347784-C-T. GRCh37 (hg19) VCF-style: chr17-19251097-C-T.
Other names: c.341G>A (NM_015681.4); c.341G>A, p.Arg114Gln (NM_001321214.2, NM_001321215.3, NM_001321216.2 and 4 more transcripts); c.-20G>A (NM_001368769.2); short protein forms R114Q.
Identifiers: ClinVar variation 1064604 (VCV001064604.18), dbSNP rs778260923, ClinGen allele CA8440265.